The following is an entry in ClinVar:

ClinVar aggregate classification (germline): Pathogenic (0 of 4 stars; one submission).

Conditions:
Citrullinemia. Identifiers: Orphanet 187, MedGen C0175683, MONDO:0015991.

Submission:

Clinical Genetics and Genomics Laboratory, Noor Shahriyar Hospital
Classification: Pathogenic for Citrullinemia. Last evaluated: 2022-03-04. Review status: no assertion criteria provided. Collection method: clinical testing. Allele origin: biparental. Affected: yes.
Comment: The NM_054012 c.1167_1168insC, is a nonsense variant in ASS1 which is predicted to result in a premature stop codon at position 412, and likely results in an absent or disrupted protein product (PVS1). This mutation has been seen in compound heterozygosity with c.1186T>A.

Variant c.1167_1168insC (in ASS1 gene) was first seen in persian population with CTLN1 (PMID:35433176)

Literature cited by the submitters: PubMed 35433176.

NM_054012.4(ASS1):c.1167dup (p.Gly390fs)

Gene: ASS1 (argininosuccinate synthase 1; plus strand). Cytogenetic location: 9q34.11.
Variant type: Duplication.
Coding change: c.1167dup on transcript NM_054012.4 (MANE Select); coding-DNA position 1167, one base duplicated (C; older notation c.1167dupC).
Protein change: p.Gly390fs; shifts the reading frame from glycine 390.
Molecular consequence: frameshift variant.
Genome position (GRCh38, 1-based): chr9:130,499,544, C duplicated; the last of 2 consecutive C bases (chr9:130,499,543-130,499,544); duplicating either gives the same sequence. VCF-style (leftmost placement, unchanged base first): chr9-130499542-A-AC. GRCh37 (hg19) VCF-style: chr9-133374929-A-AC.
Other names: c.1167dup, p.Gly390fs (NM_000050.4); c.[1167_1168insC] (NM_054012.4); short protein forms G390fs.
Identifiers: ClinVar variation 3384168 (VCV003384168.1).